The following is an entry in ClinVar:

ClinVar aggregate classification (germline): Uncertain significance (1 of 4 stars; one submission).

Conditions:
Ataxia-telangiectasia syndrome (AT). Also called: Ataxia-telangiectasia, complementation group D; AT, COMPLEMENTATION GROUP C; ATAXIA-TELANGIECTASIA, COMPLEMENTATION GROUP A; ATAXIA-TELANGIECTASIA, FRESNO VARIANT; Ataxia-telangiectasia, complementation group E; LOUIS-BAR SYNDROME. Identifiers: Orphanet 100, MedGen C0004135, MONDO:0008840, OMIM 208900.

Submission:

Labcorp Genetics (formerly Invitae), Labcorp
Classification: Uncertain significance for Ataxia-telangiectasia syndrome. Last evaluated: 2025-01-20. Review status: criteria provided, single submitter. Criteria: Invitae Variant Classification Sherloc (09022015). Collection method: clinical testing. Allele origin: germline.
Comment: This sequence change falls in intron 40 of the ATM gene. It does not directly change the encoded amino acid sequence of the ATM protein. It affects a nucleotide within the consensus splice site. This variant is not present in population databases (gnomAD no frequency). This variant has not been reported in the literature in individuals affected with ATM-related conditions. ClinVar contains an entry for this variant (Variation ID: 2013880). Variants that disrupt the consensus splice site are a relatively common cause of aberrant splicing (PMID: 17576681, 9536098). Algorithms developed to predict the effect of sequence changes on RNA splicing suggest that this variant may disrupt the consensus splice site. In summary, the available evidence is currently insufficient to determine the role of this variant in disease. Therefore, it has been classified as a Variant of Uncertain Significance.

Literature cited by the submitters: PubMed 17576681; PubMed 9536098.

NM_000051.4(ATM):c.6006+4A>G

Genes: ATM (ATM serine/threonine kinase; plus strand), C11orf65 (chromosome 11 open reading frame 65; minus strand). Cytogenetic location: 11q22.3.
Variant type: single nucleotide variant.
Coding change: c.6006+4A>G on transcript NM_000051.4 (MANE Select); 4 bases into the intron after coding-DNA position 6006, A replaced by G.
Molecular consequence: intron variant.
Genome position (GRCh38, 1-based): chr11:108,312,502, A>G. VCF-style: chr11-108312502-A-G. GRCh37 (hg19) VCF-style: chr11-108183229-A-G.
Other names: c.6006+4A>G (NM_001351834.2); c.641-3431T>C (NM_001330368.2); c.*39-3431T>C (NM_001351110.2).
Identifiers: ClinVar variation 2013880 (VCV002013880.4), dbSNP rs2084258419, ClinGen allele CA2580083023.